The following is an entry in ClinVar:

ClinVar aggregate classification (germline): Uncertain significance. Review status: criteria provided, multiple submitters, no conflicts (2 of 4 stars). 8 submissions from 7 submitters: Uncertain significance (7). 1 of the submissions does not count toward it. Last evaluated 2026-07-20.

Conditions:
Retinitis pigmentosa 39 (RP39). Identifiers: Orphanet 791, MedGen C3151138, MONDO:0013436, OMIM 613809.
Usher syndrome type 2A. Also called: RETINAL DISEASE IN USHER SYNDROME TYPE IIA, MODIFIER OF; USHER SYNDROME, TYPE IIA. Identifiers: Orphanet 231178, Orphanet 886, MedGen C1848634, MONDO:0010169, OMIM 276901.
USH2A-related disorder. Also called: USH2A-related disorders; USH2A-related condition. Identifiers: MedGen CN239332.

Allele frequency attached by ClinVar (database versions not stated): gnomAD 0.00006 and 0.00007; TOPMed 0.00006; ExAC 0.00007; ESP Exome Variant Server 0.00008; gnomAD exomes 0.00008; 1000 Genomes Project 0.00020; 1000 Genomes Project 30x 0.00031.
gnomAD v4.1: 89 of 1,613,880 alleles (0.0055%); highest among the groups gnomAD compares: Middle Eastern, 0.033%; 1 homozygote.

Submissions (8):

PreventionGenetics, part of Exact Sciences
Classification: Uncertain significance for USH2A-related condition. Last evaluated: 2026-07-20. Review status: criteria provided, single submitter. Criteria: ACMG Guidelines, 2015. Collection method: clinical testing. Allele origin: germline.
Comment: The USH2A c.9356G>A variant is predicted to result in the amino acid substitution p.Arg3119His. To our knowledge, this variant has not been reported in the literature. This variant has been observed in at least one individual with Usher syndrome in the internal database of one submitter in ClinVar (ID: 623717). An alternative amino acid change at this position was observed together with an USH2A loss-of-function variant in an individual with Usher syndrome (Table S2, Bonnet et al. 2016. PubMed ID: 27460420). This variant is reported in 0.013% of alleles in individuals of European (Non-Finnish) descent in gnomAD. Although we suspect that this variant may be pathogenic, at this time, the clinical significance of this variant is uncertain due to the absence of conclusive functional and genetic evidence.

Labcorp Genetics (formerly Invitae), Labcorp
Classification: Uncertain significance. Last evaluated: 2025-01-06. Review status: criteria provided, single submitter. Criteria: Invitae Variant Classification Sherloc (09022015). Collection method: clinical testing. Allele origin: germline.
Comment: This sequence change replaces arginine, which is basic and polar, with histidine, which is basic and polar, at codon 3119 of the USH2A protein (p.Arg3119His). This variant is present in population databases (rs199885325, gnomAD 0.01%). This missense change has been observed in individual(s) with clinical features of Usher syndrome (internal data). ClinVar contains an entry for this variant (Variation ID: 623717). Invitae Evidence Modeling of protein sequence and biophysical properties (such as structural, functional, and spatial information, amino acid conservation, physicochemical variation, residue mobility, and thermodynamic stability) indicates that this missense variant is not expected to disrupt USH2A protein function with a negative predictive value of 95%. This variant disrupts the p.Arg3119 amino acid residue in USH2A. Other variant(s) that disrupt this residue have been observed in individuals with USH2A-related conditions (PMID: 27460420), which suggests that this may be a clinically significant amino acid residue. In summary, the available evidence is currently insufficient to determine the role of this variant in disease. Therefore, it has been classified as a Variant of Uncertain Significance.

Blueprint Genetics
Classification: Uncertain significance. Last evaluated: 2024-11-07. Review status: criteria provided, single submitter. Criteria: ACMG Guidelines, 2015. Collection method: clinical testing. Allele origin: germline.

GeneDx
Classification: Uncertain significance. Last evaluated: 2024-07-03. Review status: criteria provided, single submitter. Criteria: GeneDx Variant Classification Process June 2021. Collection method: clinical testing. Allele origin: germline. Affected: yes.
Comment: In silico analysis indicates that this missense variant does not alter protein structure/function; Has not been previously published as pathogenic or benign to our knowledge

Genome-Nilou Lab
Classification: Uncertain significance for Retinitis pigmentosa 39. Last evaluated: 2023-11-04. Review status: criteria provided, single submitter. Criteria: ACMG Guidelines, 2015. Collection method: clinical testing. Allele origin: germline. Affected: no.

Genome-Nilou Lab
Classification: Uncertain significance for Usher syndrome type 2A. Last evaluated: 2023-11-04. Review status: criteria provided, single submitter. Criteria: ACMG Guidelines, 2015. Collection method: clinical testing. Allele origin: germline. Affected: no.

CeGaT Center for Human Genetics Tuebingen
Classification: Uncertain significance. Last evaluated: 2018-04-01. Review status: criteria provided, single submitter. Criteria: CeGaT Center For Human Genetics Tuebingen Variant Classification Criteria Version 2. Collection method: clinical testing. Allele origin: germline. Affected: yes. Observed: 1 variant allele.

Natera, Inc.
Classification: Uncertain significance for Usher syndrome type 2A. Last evaluated: 2020-02-15. Review status: no assertion criteria provided. Collection method: clinical testing. Allele origin: germline. Not counted in ClinVar's aggregate classification.

Literature cited by the submitters: PubMed 27460420 (cited by Labcorp Genetics (formerly Invitae), Labcorp).

NM_206933.4(USH2A):c.9356G>A (p.Arg3119His)

Gene: USH2A (usherin; minus strand). Cytogenetic location: 1q41.
Variant type: single nucleotide variant.
Coding change: c.9356G>A on transcript NM_206933.4 (MANE Select); coding-DNA position 9356, G replaced by A.
Protein change: p.Arg3119His; replaces arginine 3119 with histidine.
Molecular consequence: missense variant.
Genome position (GRCh38, 1-based): chr1:215,838,006, C>T on the plus strand (G>A on the coding strand, the complement: USH2A is on the minus strand). VCF-style: chr1-215838006-C-T. GRCh37 (hg19) VCF-style: chr1-216011348-C-T.
Other names: short protein forms R3119H.
Identifiers: ClinVar variation 623717 (VCV000623717.51), dbSNP rs199885325, ClinGen allele CA1394345.
Genomic context (GRCh38, chr1:215,838,006, plus strand): 5'-TTCTGATCAGAGTTCCTTAGATTTAACTGACACAAAATTTTGTACCTTGAAGTGATGCCA[C>T]GAATTGTGGGTGTTGGTATATCACTTGGAGTGTCTTCCACAGTGGTAATTTGGGTTCCAT-3'
Protein context (NP_996816.3, residues 3109-3129): TPSDIPTPTI[Arg3119His]GITSRSLQID